The following is an entry in ClinVar:

NM_005476.7(GNE):c.1075A>C (p.Lys359Gln)

Gene: GNE (glucosamine (UDP-N-acetyl)-2-epimerase/N-acetylmannosamine kinase; minus strand). Cytogenetic location: 9p13.3.
Variant type: single nucleotide variant.
Coding change: c.1075A>C on transcript NM_005476.7 (MANE Select); coding-DNA position 1075, A replaced by C.
Protein change: p.Lys359Gln; replaces lysine 359 with glutamine.
Molecular consequence: missense variant.
Genome position (GRCh38, 1-based): chr9:36,227,454, T>G on the plus strand (A>C on the coding strand, the complement: GNE is on the minus strand). VCF-style: chr9-36227454-T-G. GRCh37 (hg19) VCF-style: chr9-36227451-T-G.
Other names: c.1168A>C, p.Lys390Gln (NM_001128227.3); c.1075A>C, p.Lys359Gln (NM_001190383.3); c.745A>C, p.Lys249Gln (NM_001190384.3); c.898A>C, p.Lys300Gln (NM_001190388.2, NM_001374798.1); c.922A>C, p.Lys308Gln (NM_001374797.1); short protein forms K249Q, K308Q, K359Q, K390Q, K300Q.
Identifiers: ClinVar variation 2941583 (VCV002941583.3), dbSNP rs1828929851, ClinGen allele CA373429244.
Genomic context (GRCh38, chr9:36,227,454, plus strand): 5'-GATCGATAGATTTGAGAAACTTCAAAATCCTTGGAACAGCATTTCCATCCCCATATATCT[T>G]TGAACTGCAATATACAAAAAGTCAATTAAATTATATGCTTCTGCCATACATGTTAAGTGG-3'
Protein context (NP_005467.1, residues 349-369): LQFGKQYPCS[Lys359Gln]IYGDGNAVPR

ClinVar aggregate classification (germline): Uncertain significance (1 of 4 stars; one submission).

Conditions:
Sialuria. Also called: SIALURIA, FRENCH TYPE; Sialic Acid Storage Disease. Identifiers: Orphanet 3166, MedGen C0342853, MONDO:0010028, OMIM 269921.
GNE myopathy (NM). Also called: NONAKA DISTAL MYOPATHY; INCLUSION BODY MYOPATHY, HEREDITARY, AUTOSOMAL RECESSIVE; INCLUSION BODY MYOPATHY 2, AUTOSOMAL RECESSIVE; MYOPATHY, DISTAL, WITH OR WITHOUT RIMMED VACUOLES; IBM 2; Inclusion body myopathy autosomal recessive. Identifiers: Orphanet 602, MedGen C1853926, MONDO:0011603, OMIM 605820.

Submission:

Labcorp Genetics (formerly Invitae), Labcorp
Classification: Uncertain significance for Sialuria; GNE myopathy. Last evaluated: 2023-02-13. Review status: criteria provided, single submitter. Criteria: Invitae Variant Classification Sherloc (09022015). Collection method: clinical testing. Allele origin: germline.
Comment: This sequence change replaces lysine, which is basic and polar, with glutamine, which is neutral and polar, at codon 390 of the GNE protein (p.Lys390Gln). This variant is not present in population databases (gnomAD no frequency). This variant has not been reported in the literature in individuals affected with GNE-related conditions. Algorithms developed to predict the effect of missense changes on protein structure and function (SIFT, PolyPhen-2, Align-GVGD) all suggest that this variant is likely to be disruptive. In summary, the available evidence is currently insufficient to determine the role of this variant in disease. Therefore, it has been classified as a Variant of Uncertain Significance.